The following is an entry in ClinVar:

ClinVar aggregate classification (germline): Pathogenic (1 of 4 stars; one submission).

Submission:

Labcorp Genetics (formerly Invitae), Labcorp
Classification: Pathogenic. Last evaluated: 2023-10-27. Review status: criteria provided, single submitter. Criteria: Invitae Variant Classification Sherloc (09022015). Collection method: clinical testing. Allele origin: germline.
Comment: This sequence change affects an acceptor splice site in intron 4 of the MTTP gene. It is expected to disrupt RNA splicing. Variants that disrupt the donor or acceptor splice site typically lead to a loss of protein function (PMID: 16199547), and loss-of-function variants in MTTP are known to be pathogenic (PMID: 8533758, 9671739). This variant is not present in population databases (gnomAD no frequency). Disruption of this splice site has been observed in individual(s) with abetalipoproteinemia (PMID: 33258201). It has also been observed to segregate with disease in related individuals. Algorithms developed to predict the effect of sequence changes on RNA splicing suggest that this variant may disrupt the consensus splice site. For these reasons, this variant has been classified as Pathogenic.

Literature cited by the submitters: PubMed 16199547; PubMed 8533758; PubMed 9671739; PubMed 33258201.

NM_001386140.1(MTTP):c.394-2A>C

Gene: MTTP (microsomal triglyceride transfer protein; plus strand). Cytogenetic location: 4q23.
Variant type: single nucleotide variant.
Coding change: c.394-2A>C on transcript NM_001386140.1 (MANE Select); the canonical splice acceptor site of the intron before coding-DNA position 394, A replaced by C.
Molecular consequence: splice acceptor variant.
Genome position (GRCh38, 1-based): chr4:99,589,641, A>C. VCF-style: chr4-99589641-A-C. GRCh37 (hg19) VCF-style: chr4-100510798-A-C.
Other names: c.394-2A>C (NM_000253.4); c.145-2A>C (NM_001300785.2).
Identifiers: ClinVar variation 2984156 (VCV002984156.3), dbSNP rs2476102668, ClinGen allele CA357503201.